The following is an entry in ClinVar:

NM_001845.6(COL4A1):c.5000GAA[1] (p.Arg1668del)

Gene: COL4A1 (collagen type IV alpha 1 chain; minus strand). Cytogenetic location: 13q34.
Variant type: Microsatellite.
Coding change: c.5000GAA[1] on transcript NM_001845.6 (MANE Select); one copy of the 3-base unit GAA starting at c.5000; the reference has two copies in a row; one copy, 3 bases deleted; also written c.5003_5005del.
Protein change: p.Arg1668del; deletes arginine 1668.
Molecular consequence: inframe deletion.
Genome position (GRCh38, 1-based): chr13:110,150,368-110,150,370, TTC deleted on the plus strand (GAA on the coding strand, the reverse complement: COL4A1 is on the minus strand); deleting any 3 consecutive bases within chr13:110,150,368-110,150,374 gives the same sequence; the position shown is the placement nearest the transcript's 3' end. VCF-style (leftmost placement, unchanged base first): chr13-110150367-GTTC-G. GRCh37 (hg19) VCF-style: chr13-110802714-GTTC-G.
Other names: c.5003_5005del (NM_001845.6); short protein forms R1668del.
Identifiers: ClinVar variation 1506586 (VCV001506586.8), dbSNP rs1294802953, ClinGen allele CA612618012.

ClinVar aggregate classification (germline): Uncertain significance. Review status: criteria provided, multiple submitters, no conflicts (2 of 4 stars). 3 submissions from 3 submitters: Uncertain significance (3). Last evaluated 2025-12-01.

Conditions:
Autosomal dominant familial hematuria-retinal arteriolar tortuosity-contractures syndrome. Also called: Hereditary Angiopathy with Nephropathy, Aneurysms, and Muscle Cramps (HANAC) Syndrome; Angiopathy, hereditary, with nephropathy, aneurysms, and muscle cramps. Identifiers: Orphanet 73229, MedGen C2673195, MONDO:0012726, OMIM 611773.
Retinal arterial tortuosity. Also called: Retinal arteries, tortuosity of; RETINAL HEMORRHAGE WITH VASCULAR TORTUOSITY. Identifiers: Orphanet 75326, MedGen C0423401, MONDO:0008373, OMIM 180000, HP:0000631.
Microangiopathy and leukoencephalopathy, pontine, autosomal dominant. Also called: Pontine autosomal dominant microangiopathy with leukoencephalopathy; DEMENTIA, HEREDITARY MULTI-INFARCT, SWEDISH TYPE. Identifiers: Orphanet 477749, MedGen C5231411, MONDO:0032814, OMIM 618564.
Brain small vessel disease 1 with or without ocular anomalies (BSVD1). Also called: PORENCEPHALY, TYPE 1, AUTOSOMAL DOMINANT; BRAIN SMALL VESSEL DISEASE WITH HEMORRHAGE; GOULD SYNDROME 1; Brain small vessel disease with or without ocular anomalies. Identifiers: Orphanet 2940, Orphanet 36383, Orphanet 99810, MedGen C4755307, MONDO:0008289, OMIM 175780.
Hemorrhage, intracerebral, susceptibility to (ICH). Also called: Stroke, hemorrhagic, susceptibility to. Identifiers: MedGen C3281105, MONDO:0100533, OMIM 614519.

Submissions (3):

Labcorp Genetics (formerly Invitae), Labcorp
Classification: Uncertain significance. Last evaluated: 2025-12-01. Review status: criteria provided, single submitter. Criteria: Invitae Variant Classification Sherloc (09022015). Collection method: clinical testing. Allele origin: germline.
Comment: This variant, c.5003_5005del, results in the deletion of 1 amino acid(s) of the COL4A1 protein (p.Arg1668del), but otherwise preserves the integrity of the reading frame. This variant is present in population databases (no rsID available, gnomAD 0.007%). This variant has not been reported in the literature in individuals affected with COL4A1-related conditions. Experimental studies and prediction algorithms are not available or were not evaluated, and the functional significance of this variant is currently unknown. In summary, the available evidence is currently insufficient to determine the role of this variant in disease. Therefore, it has been classified as a Variant of Uncertain Significance.

Revvity Omics, Revvity
Classification: Uncertain significance. Last evaluated: 2024-10-09. Review status: criteria provided, single submitter. Criteria: ACMG Guidelines, 2015. Collection method: clinical testing. Allele origin: germline.

Fulgent Genetics
Classification: Uncertain significance for Brain small vessel disease 1 with or without ocular anomalies; Retinal arterial tortuosity; Autosomal dominant familial hematuria-retinal arteriolar tortuosity-contractures syndrome; Hemorrhage, intracerebral, susceptibility to; Microangiopathy and leukoencephalopathy, pontine, autosomal dominant. Last evaluated: 2021-12-07. Review status: criteria provided, single submitter. Criteria: ACMG Guidelines, 2015. Collection method: clinical testing. Allele origin: unknown.